The following is an entry in ClinVar:

ClinVar aggregate classification (germline): Conflicting classifications of pathogenicity. Review status: criteria provided, conflicting classifications (1 of 4 stars). 5 submissions from 5 submitters: Uncertain significance (2); Benign (1); Likely benign (1). 1 of the submissions does not count toward it. Last evaluated 2024-11-05.

Conditions:
Lynch syndrome. Identifiers: Orphanet 144, MedGen C4552100, MONDO:0005835. Disease mechanism: loss of function.
Hereditary cancer-predisposing syndrome. Also called: Hereditary Cancer Syndrome; Hereditary neoplastic syndrome; Neoplastic Syndromes, Hereditary; Tumor predisposition. Identifiers: Orphanet 140162, MedGen C0027672, MeSH D009386, MONDO:0015356.
Hereditary nonpolyposis colorectal neoplasms. Identifiers: MedGen C0009405, MeSH D003123.
Endometrial carcinoma. Also called: Endometrial carcinoma, somatic. Identifiers: MedGen C0476089, MONDO:0002447, OMIM 608089, HP:0012114.

Submissions (5):

Labcorp Genetics (formerly Invitae), Labcorp
Classification: Uncertain significance for Hereditary nonpolyposis colorectal neoplasms. Last evaluated: 2024-11-05. Review status: criteria provided, single submitter. Criteria: Invitae Variant Classification Sherloc (09022015). Collection method: clinical testing. Allele origin: germline.
Comment: This sequence change replaces glutamine, which is neutral and polar, with arginine, which is basic and polar, at codon 100 of the PMS2 protein (p.Gln100Arg). This variant is not present in population databases (gnomAD no frequency). This variant has not been reported in the literature in individuals affected with PMS2-related conditions. ClinVar contains an entry for this variant (Variation ID: 434026). Invitae Evidence Modeling incorporating data from in vitro experimental studies (internal data) indicates that this missense variant is not expected to disrupt PMS2 function with a negative predictive value of 95%. Experimental studies have shown that this missense change does not substantially affect PMS2 function (PMID: 35451539). In summary, the available evidence is currently insufficient to determine the role of this variant in disease. Therefore, it has been classified as a Variant of Uncertain Significance.

Ambry Genetics
Classification: Likely benign for Hereditary cancer-predisposing syndrome. Last evaluated: 2024-05-24. Review status: criteria provided, single submitter. Criteria: Ambry Variant Classification Scheme 2023. Collection method: clinical testing. Allele origin: germline.

All of Us Research Program, National Institutes of Health
Classification: Uncertain significance for Lynch syndrome. Last evaluated: 2023-07-19. Review status: criteria provided, single submitter. Criteria: ACMG Guidelines, 2015. Collection method: clinical testing. Allele origin: germline. Inheritance: Autosomal dominant inheritance. Observed: 1 variant allele, 1 heterozygote.
Comment: This missense variant replaces glutamine with arginine at codon 100 of the PMS2 protein. Computational prediction suggests that this variant may not impact protein structure and function (internally defined REVEL score threshold <= 0.5, PMID: 27666373). To our knowledge, functional studies have not been reported for this variant. This variant has been reported in an individual affected with colorectal cancer (PMID: 35939113). This variant has not been identified in the general population by the Genome Aggregation Database (gnomAD). The available evidence is insufficient to determine the role of this variant in disease conclusively. Therefore, this variant is classified as a Variant of Uncertain Significance.

This study involves interpretation of variants in research participants for the purpose of population health screening. Participant phenotype was not available at the time of variant classification. Additional details can be found in publication PMID: 35346344, PMCID: PMC8962531

University of Washington Department of Laboratory Medicine, University of Washington
Classification: Benign for Lynch syndrome. Last evaluated: 2018-05-01. Review status: criteria provided, single submitter. Criteria: Shirts BH et al. (Am J Hum Genet 2018). Collection method: clinical testing. Allele origin: somatic. Affected: yes.
Comment: PMS2 NM_000535.5:c.299A>G has a 0.9% probability of pathogenicity based on combining prior probability from public data with a likelihood ratio of 0.16 to 1, generated from evidence of seeing this as a somatic mutation in a tumor with loss of heterozygosity at the PMS2 locus. See Shirts et al 2018, PMID 29887214.

Department of Pathology and Laboratory Medicine, Sinai Health System
Classification: Likely benign for Endometrial carcinoma. Review status: no assertion criteria provided. Collection method: clinical testing. Allele origin: unknown. Affected: yes. Study: The Canadian Open Genetics Repository (COGR). Not counted in ClinVar's aggregate classification.
Comment: The PMS2 p. variant was not identified in the literature nor was it identified in the 1000 Genomes Project, HGMD, COSMIC, MutDB, â€šÃ„ÃºMismatch Repair Genes Variant Databaseâ€šÃ„Ã¹, â€šÃ„ÃºInSiGHT Colon Cancer Databaseâ€šÃ„Ã¹, â€šÃ„ÃºZhejiang Colon Cancer Databaseâ€šÃ„Ã¹, and ClinVar database.The p.Gln100 residue is not conserved in mammals but the variant amino acid Arginine (Arg) is not present in other animals, which does not verify this variant as not having clinical significance. Although the p.Gln100 residue is not conserved in mammals and lower organisms, computational analyses (PolyPhen-2, SIFT, AlignGVGD, BLOSUM, MutationTaster) suggest that the p.Gln100Arg variant may not impact the protein. Computational analyses (PolyPhen-2, SIFT, AlignGVGD, BLOSUM, MutationTaster) do not suggest a high likelihood of impact to the protein.The c.299GA>G variant occurs outside of the splicing consensus sequence and in silico or computational prediction software (SpliceSiteFinder, MaxEntScan, NNSPLICE, GeneSplicer, HumanSpliceFinder) does not predict a difference in splicing in 5 of 5 different programs. (However, this information is not predictive enough to rule out pathogenicity.) In summary, based on the above information, the clinical significance of this variant cannot be determined with certainty at this time although we would lean towards a more benign role for this variant. This variant is classified as predicted benign.

Literature cited by the submitters: PubMed 35451539 (cited by Labcorp Genetics (formerly Invitae), Labcorp); PubMed 35939113 (cited by All of Us Research Program, National Institutes of Health).

NM_000535.7(PMS2):c.299A>G (p.Gln100Arg)

Gene: PMS2 (PMS1 homolog 2, mismatch repair system component; minus strand). Cytogenetic location: 7p22.1.
Variant type: single nucleotide variant.
Coding change: c.299A>G on transcript NM_000535.7 (MANE Select); coding-DNA position 299, A replaced by G.
Protein change: p.Gln100Arg; replaces glutamine 100 with arginine.
Molecular consequence: missense variant. On other transcripts: 5 prime UTR variant (9), non-coding transcript variant (1), intron variant (2).
Genome position (GRCh38, 1-based): chr7:6,003,744, T>C on the plus strand (A>G on the coding strand, the complement: PMS2 is on the minus strand). VCF-style: chr7-6003744-T-C. GRCh37 (hg19) VCF-style: chr7-6043375-T-C.
Other names: c.-107A>G (NM_001322003.2, NM_001322004.2, NM_001322005.2 and 3 more transcripts); c.299A>G, p.Gln100Arg (NM_001322006.2, NM_001322014.2); c.-586A>G (NM_001322011.2, NM_001322012.2); c.-186A>G (NM_001322015.2); c.35+228A>G (NM_001322008.2, NM_001322007.2); short protein forms Q100R.
Identifiers: ClinVar variation 434026 (VCV000434026.15), dbSNP rs747771951, ClinGen allele CA366744629.